The following is an entry in ClinVar:

ClinVar aggregate classification (germline): Uncertain significance (1 of 4 stars; one submission).

Conditions:
Primary ciliary dyskinesia 32. Also called: CILIARY DYSKINESIA, PRIMARY, 32, WITHOUT SITUS INVERSUS. Identifiers: Orphanet 244, MedGen C4225311, MONDO:0014657, OMIM 616481.

Allele frequency attached by ClinVar (database versions not stated): gnomAD exomes below 0.00001 and 0.00001; ExAC 0.00001; gnomAD 0.00004; TOPMed 0.00005.
gnomAD v4.1: 18 of 1,613,760 alleles (0.0011%); highest among the groups gnomAD compares: African/African-American, 0.019%; no homozygotes.

Submission:

Labcorp Genetics (formerly Invitae), Labcorp
Classification: Uncertain significance for Primary ciliary dyskinesia 32. Last evaluated: 2022-05-12. Review status: criteria provided, single submitter. Criteria: Invitae Variant Classification Sherloc (09022015). Collection method: clinical testing. Allele origin: germline.
Comment: This sequence change replaces proline, which is neutral and non-polar, with serine, which is neutral and polar, at codon 36 of the RSPH3 protein (p.Pro36Ser). This variant is present in population databases (rs546435437, gnomAD 0.007%). This variant has not been reported in the literature in individuals affected with RSPH3-related conditions. Algorithms developed to predict the effect of missense changes on protein structure and function output the following: SIFT: "Tolerated"; PolyPhen-2: "Benign"; Align-GVGD: "Class C0". The serine amino acid residue is found in multiple mammalian species, which suggests that this missense change does not adversely affect protein function. In summary, the available evidence is currently insufficient to determine the role of this variant in disease. Therefore, it has been classified as a Variant of Uncertain Significance.

NM_031924.8(RSPH3):c.-321C>T

Gene: RSPH3 (radial spoke head 3; minus strand). Cytogenetic location: 6q25.3.
Variant type: single nucleotide variant.
Coding change: c.-321C>T on transcript NM_031924.8 (MANE Select); 321 bases upstream of the start codon, C replaced by T.
Molecular consequence: 5 prime UTR variant. On other transcripts: missense variant (1), non-coding transcript variant (1).
Genome position (GRCh38, 1-based): chr6:158,999,871, G>A on the plus strand (C>T on the coding strand, the complement: RSPH3 is on the minus strand). VCF-style: chr6-158999871-G-A. GRCh37 (hg19) VCF-style: chr6-159420903-G-A.
Other names: c.106C>T, p.Pro36Ser (NM_001346418.1); short protein forms P36S.
Identifiers: ClinVar variation 1423580 (VCV001423580.5), dbSNP rs546435437, ClinGen allele CA4076106.